The following is an entry in ClinVar:

ClinVar aggregate classification (germline): Uncertain significance (1 of 4 stars; one submission).

Conditions:
Bethlem myopathy 1A. Also called: Bethlem Muscular Dystrophy; MYOPATHY, BENIGN CONGENITAL, WITH CONTRACTURES; Bethlem myopathy 1. Identifiers: Orphanet 610, MedGen CN029274, MONDO:0024530, OMIM 158810.

Submission:

Labcorp Genetics (formerly Invitae), Labcorp
Classification: Uncertain significance for Bethlem myopathy 1A. Last evaluated: 2020-09-24. Review status: criteria provided, single submitter. Criteria: Invitae Variant Classification Sherloc (09022015). Collection method: clinical testing. Allele origin: germline.
Comment: In summary, the available evidence is currently insufficient to determine the role of this variant in disease. Therefore, it has been classified as a Variant of Uncertain Significance. Advanced modeling of protein sequence and biophysical properties (such as structural, functional, and spatial information, amino acid conservation, physicochemical variation, residue mobility, and thermodynamic stability) performed at Invitae indicates that this missense variant is not expected to disrupt COL6A3 protein function. This variant has not been reported in the literature in individuals with COL6A3-related conditions. This variant is not present in population databases (ExAC no frequency). This sequence change replaces threonine with alanine at codon 2449 of the COL6A3 protein (p.Thr2449Ala). The threonine residue is moderately conserved and there is a small physicochemical difference between threonine and alanine.

NM_004369.4(COL6A3):c.7345A>G (p.Thr2449Ala)

Gene: COL6A3 (collagen type VI alpha 3 chain; minus strand). Cytogenetic location: 2q37.3.
Variant type: single nucleotide variant.
Coding change: c.7345A>G on transcript NM_004369.4 (MANE Select); coding-DNA position 7345, A replaced by G.
Protein change: p.Thr2449Ala; replaces threonine 2449 with alanine.
Molecular consequence: missense variant.
Genome position (GRCh38, 1-based): chr2:237,344,673, T>C on the plus strand (A>G on the coding strand, the complement: COL6A3 is on the minus strand). VCF-style: chr2-237344673-T-C. GRCh37 (hg19) VCF-style: chr2-238253316-T-C.
Other names: c.5524A>G, p.Thr1842Ala (NM_057166.5); c.6727A>G, p.Thr2243Ala (NM_057167.4); short protein forms T1842A, T2243A, T2449A.
Identifiers: ClinVar variation 1010000 (VCV001010000.9), dbSNP rs2077061420, ClinGen allele CA351203630.